The following is an entry in ClinVar:

NM_000093.5(COL5A1):c.12T>C (p.His4=)

Gene: COL5A1 (collagen type V alpha 1 chain; plus strand). Cytogenetic location: 9q34.3.
Variant type: single nucleotide variant.
Coding change: c.12T>C on transcript NM_000093.5 (MANE Select); coding-DNA position 12, T replaced by C.
Protein change: p.His4=; no amino-acid change (histidine 4 retained).
Molecular consequence: synonymous variant.
Genome position (GRCh38, 1-based): chr9:134,642,199, T>C. VCF-style: chr9-134642199-T-C. GRCh37 (hg19) VCF-style: chr9-137534045-T-C.
Other names: c.12T>C, p.His4= (NM_001278074.1).
Identifiers: ClinVar variation 380649 (VCV000380649.24), dbSNP rs368818087, ClinGen allele CA5318178.

ClinVar aggregate classification (germline): Benign/Likely benign. Review status: criteria provided, multiple submitters, no conflicts (2 of 4 stars). 10 submissions from 9 submitters: Benign (7); Likely benign (3). Last evaluated 2026-01-28.

Conditions:
Fibromuscular dysplasia, multifocal. Identifiers: MedGen C5543412, MONDO:0859151, OMIM 619329.
Ehlers-Danlos syndrome, classic type, 1 (EDSCL1). Also called: EHLERS-DANLOS SYNDROME, GRAVIS TYPE; EHLERS-DANLOS SYNDROME, SEVERE CLASSIC TYPE; Ehlers-Danlos syndrome, type 1; Ehlers-Danlos Syndrome, Classic Type, COL5A1-Related; EDS I. Identifiers: MedGen C0268335, MONDO:0019567, OMIM 130000.
Ehlers-Danlos syndrome (EDS). Identifiers: Orphanet 98249, MedGen C0013720, MONDO:0020066.
Familial thoracic aortic aneurysm and aortic dissection (TAAD). Also called: Thoracic aortic aneurysms and dissections. Identifiers: Orphanet 91387, MedGen C4707243, MONDO:0019625.

Allele frequency attached by ClinVar (database versions not stated): gnomAD 0.00004 and 0.00095; TOPMed 0.00017; 1000 Genomes Project 0.00100; 1000 Genomes Project 30x 0.00406; gnomAD exomes 0.00479; ExAC 0.03289.
gnomAD v4.1: 1,046 of 1,290,486 alleles (0.081%); highest among the groups gnomAD compares: South Asian, 2.3%; 12 homozygotes.

Submissions (10):

Labcorp Genetics (formerly Invitae), Labcorp
Classification: Likely benign for Ehlers-Danlos syndrome, classic type, 1. Last evaluated: 2026-01-28. Review status: criteria provided, single submitter. Criteria: Invitae Variant Classification Sherloc (09022015). Collection method: clinical testing. Allele origin: germline.

Molecular Diagnostic Laboratory for Inherited Cardiovascular Disease, Montreal Heart Institute
Classification: Benign. Last evaluated: 2025-04-09. Review status: criteria provided, single submitter. Criteria: ACMG Guidelines, 2015. Collection method: clinical testing. Allele origin: germline. Affected: no.

Blueprint Genetics
Classification: Likely benign. Last evaluated: 2024-11-21. Review status: criteria provided, single submitter. Criteria: ACMG Guidelines, 2015. Collection method: clinical testing. Allele origin: germline.

Women's Health and Genetics/Laboratory Corporation of America, LabCorp
Classification: Benign. Last evaluated: 2023-07-21. Review status: criteria provided, single submitter. Criteria: LabCorp Variant Classification Summary - May 2015. Collection method: clinical testing. Allele origin: germline.

Fulgent Genetics
Classification: Benign for Ehlers-Danlos syndrome, classic type, 1; Fibromuscular dysplasia, multifocal. Last evaluated: 2022-05-02. Review status: criteria provided, single submitter. Criteria: ACMG Guidelines, 2015. Collection method: clinical testing. Allele origin: unknown.

Genome-Nilou Lab
Classification: Benign for Ehlers-Danlos syndrome, classic type, 1. Last evaluated: 2022-03-15. Review status: criteria provided, single submitter. Criteria: ACMG Guidelines, 2015. Collection method: clinical testing. Allele origin: germline. Affected: no.

Genome-Nilou Lab
Classification: Benign for Fibromuscular dysplasia, multifocal. Last evaluated: 2022-03-15. Review status: criteria provided, single submitter. Criteria: ACMG Guidelines, 2015. Collection method: clinical testing. Allele origin: germline. Affected: no.

Genome Diagnostics Laboratory, The Hospital for Sick Children
Classification: Likely benign for Ehlers-Danlos syndrome. Last evaluated: 2020-10-07. Review status: criteria provided, single submitter. Criteria: ACMG Guidelines, 2015. Collection method: clinical testing. Allele origin: germline.

Ambry Genetics
Classification: Benign for Familial thoracic aortic aneurysm and aortic dissection. Last evaluated: 2017-05-24. Review status: criteria provided, single submitter. Criteria: Ambry Variant Classification Scheme 2023. Collection method: clinical testing. Allele origin: germline.

GeneDx
Classification: Benign. Last evaluated: 2016-02-22. Review status: criteria provided, single submitter. Criteria: GeneDx Variant Classification (06012015). Collection method: clinical testing. Allele origin: germline. Affected: yes.
Comment: This variant is considered likely benign or benign based on one or more of the following criteria: it is a conservative change, it occurs at a poorly conserved position in the protein, it is predicted to be benign by multiple in silico algorithms, and/or has population frequency not consistent with disease.